The following is an entry in ClinVar:

ClinVar aggregate classification (germline): Likely pathogenic. Review status: reviewed by expert panel (3 of 4 stars). 2 submissions from 2 submitters: Likely pathogenic (1). 1 of the submissions does not count toward it. Last evaluated 2026-04-08.

Conditions:
Glycogen storage disease, type II (IOPD). Also called: Glucosidase acid-1,4-alpha deficiency; Pompe Disease; CARDIOMEGALIA GLYCOGENICA DIFFUSA; GLYCOGENOSIS, GENERALIZED, CARDIAC FORM; GSD II; Glycogen storage disease type 2. Identifiers: Orphanet 365, MedGen C0017921, MONDO:0009290, OMIM 232300.

Submissions (2):

ClinGen Lysosomal Storage Disorder Variant Curation Expert Panel
Classification: Likely pathogenic for Glycogen storage disease, type II. Last evaluated: 2026-04-08. Review status: reviewed by expert panel. Criteria: clingen_lsd_acmg_specifications_v2-1. Collection method: curation. Allele origin: germline. Inheritance: Autosomal recessive inheritance.
Comment: The NM_000152.5:c.1099del (p.Trp367GlyfsTer25) variant in GAA is a nonsense variant predicted to cause a premature stop codon in exon 7 out of a total of 20 exons, leading to nonsense mediated decay in a gene in which loss-of-function is an established disease mechanism (PVS1). This variant is not in gnomAD v4.1 0 (PM2_Supporting). To our knowledge, this variant has not been reported in patients with Pompe disease in the literature, and results of functional studies are not available. There is a ClinVar entry for this variant (Variation ID: 370810). The classification of this variant has been upgraded from Variant of Uncertain Significance to Likely Pathogenic based on the recommendations of the ClinGen Sequence Variant Interpretation Working Group, that a variant meeting PVS1 and PM2_Supporting is classified as Likely Pathogenic. In summary, this variant meets the criteria to be classified as likely pathogenic for Pompe disease. GAA-specific ACMG/AMP criteria applied, as specified by the ClinGen Lysosomal Diseases VCEP (Specifications Version 2.0): PVS1, PM2_Supporting. (Classification approved by the ClinGen Lysosomal Diseases VCEP, April 8, 2026).

Counsyl
Classification: Likely pathogenic for Glycogen storage disease, type II. Last evaluated: 2016-04-20. Review status: no assertion criteria provided. Collection method: clinical testing. Allele origin: unknown. Not counted in ClinVar's aggregate classification.

NM_000152.5(GAA):c.1099del (p.Trp367fs)

Gene: GAA (alpha glucosidase; plus strand). Cytogenetic location: 17q25.3.
Variant type: Deletion.
Coding change: c.1099del on transcript NM_000152.5 (MANE Select); coding-DNA position 1099, one base deleted (T; older notation c.1099delT).
Protein change: p.Trp367fs; shifts the reading frame from tryptophan 367.
Molecular consequence: frameshift variant.
Genome position (GRCh38, 1-based): chr17:80,108,512, T deleted. VCF-style (leftmost placement, unchanged base first): chr17-80108511-CT-C. GRCh37 (hg19) VCF-style: chr17-78082310-CT-C.
Other names: c.1099del (LRG_673t1); c.1099del, p.Trp367fs (NM_001079803.3, NM_001079804.3); short protein forms W367fs.
Identifiers: ClinVar variation 370810 (VCV000370810.8), dbSNP rs1057516785, ClinGen allele CA16041888.